The following is an entry in ClinVar:

NM_000081.4(LYST):c.1456G>T (p.Val486Leu)

Gene: LYST (lysosomal trafficking regulator; minus strand). Cytogenetic location: 1q42.3.
Variant type: single nucleotide variant.
Coding change: c.1456G>T on transcript NM_000081.4 (MANE Select); coding-DNA position 1456, G replaced by T.
Protein change: p.Val486Leu; replaces valine 486 with leucine.
Molecular consequence: missense variant.
Genome position (GRCh38, 1-based): chr1:235,809,362, C>A on the plus strand (G>T on the coding strand, the complement: LYST is on the minus strand). VCF-style: chr1-235809362-C-A. GRCh37 (hg19) VCF-style: chr1-235972662-C-A.
Other names: c.1456G>T (NM_000081.2); c.1456G>T, p.Val486Leu (NM_001301365.1); short protein forms V486L.
Identifiers: ClinVar variation 2061514 (VCV002061514.3), dbSNP rs1179464352, ClinGen allele CA344962362.

ClinVar aggregate classification (germline): Uncertain significance. Review status: criteria provided, multiple submitters, no conflicts (2 of 4 stars). 2 submissions from 2 submitters: Uncertain significance (2). Last evaluated 2025-09-22.

Conditions:
Inborn genetic diseases. Identifiers: MedGen C0950123, MeSH D030342.
Chédiak-Higashi syndrome (CHS). Also called: Chediak-Higashi Syndrome. Identifiers: Orphanet 167, MedGen C0007965, MONDO:0008963, OMIM 214500.

Allele frequency attached by ClinVar (database versions not stated): TOPMed below 0.00001; gnomAD 0.00001.
gnomAD v4.1: 6 of 1,613,848 alleles (0.00037%); highest among the groups gnomAD compares: East Asian, 0.0022%; no homozygotes.

Submissions (2):

Labcorp Genetics (formerly Invitae), Labcorp
Classification: Uncertain significance for Chédiak-Higashi syndrome. Last evaluated: 2025-09-22. Review status: criteria provided, single submitter. Criteria: Invitae Variant Classification Sherloc (09022015). Collection method: clinical testing. Allele origin: germline.
Comment: This sequence change replaces valine, which is neutral and non-polar, with leucine, which is neutral and non-polar, at codon 486 of the LYST protein (p.Val486Leu). This variant is present in population databases (no rsID available, gnomAD 0.006%). This variant has not been reported in the literature in individuals affected with LYST-related conditions. ClinVar contains an entry for this variant (Variation ID: 2061514). Invitae Evidence Modeling of protein sequence and biophysical properties (such as structural, functional, and spatial information, amino acid conservation, physicochemical variation, residue mobility, and thermodynamic stability) indicates that this missense variant is not expected to disrupt LYST protein function with a negative predictive value of 80%. In summary, the available evidence is currently insufficient to determine the role of this variant in disease. Therefore, it has been classified as a Variant of Uncertain Significance.

Ambry Genetics
Classification: Uncertain significance for Inborn genetic diseases. Last evaluated: 2025-07-01. Review status: criteria provided, single submitter. Criteria: Ambry Variant Classification Scheme 2023. Collection method: clinical testing. Allele origin: germline.